The following is an entry in ClinVar:

ClinVar aggregate classification (germline): Uncertain significance. Review status: criteria provided, multiple submitters, no conflicts (2 of 4 stars). 3 submissions from 3 submitters: Uncertain significance (3). Last evaluated 2024-09-30.

Conditions:
RASopathy. Also called: Noonan spectrum disorder; rasopathies. Identifiers: Orphanet 536391, MedGen C5555857, MONDO:0021060.

Allele frequency attached by ClinVar (database versions not stated): gnomAD 0.00001; TOPMed 0.00001; ExAC 0.00002; gnomAD exomes 0.00003; 1000 Genomes Project 0.00020; 1000 Genomes Project 30x 0.00031.
gnomAD v4.1: 39 of 1,614,088 alleles (0.0024%); highest among the groups gnomAD compares: Admixed American, 0.0033%; no homozygotes.

Submissions (3):

Labcorp Genetics (formerly Invitae), Labcorp
Classification: Uncertain significance for RASopathy. Last evaluated: 2024-09-30. Review status: criteria provided, single submitter. Criteria: Invitae Variant Classification Sherloc (09022015). Collection method: clinical testing. Allele origin: germline.
Comment: This sequence change replaces asparagine, which is neutral and polar, with serine, which is neutral and polar, at codon 10 of the PTPN11 protein (p.Asn10Ser). This variant is present in population databases (rs200613531, gnomAD 0.003%). This variant has not been reported in the literature in individuals affected with PTPN11-related conditions. ClinVar contains an entry for this variant (Variation ID: 2076362). Invitae Evidence Modeling of protein sequence and biophysical properties (such as structural, functional, and spatial information, amino acid conservation, physicochemical variation, residue mobility, and thermodynamic stability) indicates that this missense variant is expected to disrupt PTPN11 protein function with a positive predictive value of 95%. In summary, the available evidence is currently insufficient to determine the role of this variant in disease. Therefore, it has been classified as a Variant of Uncertain Significance.

GeneDx
Classification: Uncertain significance. Last evaluated: 2023-07-05. Review status: criteria provided, single submitter. Criteria: GeneDx Variant Classification Process June 2021. Collection method: clinical testing. Allele origin: germline. Affected: yes.
Comment: Missense variants in this gene are often considered pathogenic (HGMD); In silico analysis supports that this missense variant has a deleterious effect on protein structure/function; Has not been previously published as pathogenic or benign to our knowledge; This variant is associated with the following publications: (PMID: 29493581)

Blueprint Genetics
Classification: Uncertain significance. Last evaluated: 2022-07-22. Review status: criteria provided, single submitter. Criteria: ACMG Guidelines, 2015. Collection method: clinical testing. Allele origin: germline.

NM_002834.5(PTPN11):c.29A>G (p.Asn10Ser)

Gene: PTPN11 (protein tyrosine phosphatase non-receptor type 11; plus strand). Cytogenetic location: 12q24.13.
Variant type: single nucleotide variant.
Coding change: c.29A>G on transcript NM_002834.5 (MANE Select); coding-DNA position 29, A replaced by G.
Protein change: p.Asn10Ser; replaces asparagine 10 with serine.
Molecular consequence: missense variant.
Genome position (GRCh38, 1-based): chr12:112,446,290, A>G. VCF-style: chr12-112446290-A-G. GRCh37 (hg19) VCF-style: chr12-112884094-A-G.
Other names: c.29A>G, p.Asn10Ser (NM_001330437.2, NM_001374625.1, NM_080601.3); short protein forms N10S.
Identifiers: ClinVar variation 2076362 (VCV002076362.6), dbSNP rs200613531, ClinGen allele CA6798506.
Genomic context (GRCh38, chr12:112,446,290, plus strand): 5'-GACAGTGTCTTGTTTTTTTATTACTTACTTTGTCTTTCTTTTTAAGATGGTTTCACCCAA[A>G]TATCACTGGTGTGGAGGCAGAAAACCTACTGTTGACAAGAGGAGTTGATGGCAGTTTTTT-3'
Protein context (NP_002825.3, residues 1-20): MTSRRWFHP[Asn10Ser]ITGVEAENLL